The following is an entry in ClinVar:

NM_017849.4(TMEM127):c.352C>T (p.Pro118Ser)

Gene: TMEM127 (transmembrane protein 127; minus strand). Cytogenetic location: 2q11.2.
Variant type: single nucleotide variant.
Coding change: c.352C>T on transcript NM_017849.4 (MANE Select); coding-DNA position 352, C replaced by T.
Protein change: p.Pro118Ser; replaces proline 118 with serine.
Molecular consequence: missense variant.
Genome position (GRCh38, 1-based): chr2:96,254,890, G>A on the plus strand (C>T on the coding strand, the complement: TMEM127 is on the minus strand). VCF-style: chr2-96254890-G-A. GRCh37 (hg19) VCF-style: chr2-96920628-G-A.
Other names: c.352C>T, p.Pro118Ser (NM_001193304.3); c.100C>T, p.Pro34Ser (NM_001407282.1, NM_001407283.1); short protein forms P118S, P34S.
Identifiers: ClinVar variation 2117475 (VCV002117475.5), dbSNP rs2467266279, ClinGen allele CA347653362.

ClinVar aggregate classification (germline): Uncertain significance. Review status: criteria provided, multiple submitters, no conflicts (2 of 4 stars). 2 submissions from 2 submitters: Uncertain significance (2). Last evaluated 2025-07-14.

Conditions:
Hereditary cancer-predisposing syndrome. Also called: Tumor predisposition; Hereditary Cancer Syndrome; Hereditary neoplastic syndrome; Neoplastic Syndromes, Hereditary. Identifiers: Orphanet 140162, MedGen C0027672, MeSH D009386, MONDO:0015356.
Hereditary pheochromocytoma and paraganglioma. Also called: Hereditary paragangliomas and pheochromocytomas; Hereditary Paraganglioma-Pheochromocytoma Syndromes; Hereditary pheochromocytoma-paraganglioma. Identifiers: Orphanet 29072, MedGen C4274332, MONDO:0017366.

Submissions (2):

Ambry Genetics
Classification: Uncertain significance for Hereditary cancer-predisposing syndrome. Last evaluated: 2025-07-14. Review status: criteria provided, single submitter. Criteria: Ambry Variant Classification Scheme 2023. Collection method: clinical testing. Allele origin: germline.
Comment: The p.P118S variant (also known as c.352C>T), located in coding exon 2 of the TMEM127 gene, results from a C to T substitution at nucleotide position 352. The proline at codon 118 is replaced by serine, an amino acid with similar properties. This amino acid position is conserved. In addition, the in silico prediction for this alteration is inconclusive. Based on the available evidence, the clinical significance of this variant remains unclear.

Labcorp Genetics (formerly Invitae), Labcorp
Classification: Uncertain significance for Hereditary pheochromocytoma and paraganglioma. Last evaluated: 2023-10-17. Review status: criteria provided, single submitter. Criteria: Invitae Variant Classification Sherloc (09022015). Collection method: clinical testing. Allele origin: germline.
Comment: This sequence change replaces proline, which is neutral and non-polar, with serine, which is neutral and polar, at codon 118 of the TMEM127 protein (p.Pro118Ser). This variant is not present in population databases (gnomAD no frequency). This variant has not been reported in the literature in individuals affected with TMEM127-related conditions. ClinVar contains an entry for this variant (Variation ID: 2117475). An algorithm developed to predict the effect of missense changes on protein structure and function (PolyPhen-2) suggests that this variant is likely to be disruptive. In summary, the available evidence is currently insufficient to determine the role of this variant in disease. Therefore, it has been classified as a Variant of Uncertain Significance.